The following is an entry in ClinVar:

NM_000548.5(TSC2):c.4339T>C (p.Ser1447Pro)

Gene: TSC2 (TSC complex subunit 2; plus strand). Cytogenetic location: 16p13.3.
Variant type: single nucleotide variant.
Coding change: c.4339T>C on transcript NM_000548.5 (MANE Select); coding-DNA position 4339, T replaced by C.
Protein change: p.Ser1447Pro; replaces serine 1447 with proline.
Molecular consequence: missense variant. On other transcripts: non-coding transcript variant (5).
Genome position (GRCh38, 1-based): chr16:2,084,561, T>C. VCF-style: chr16-2084561-T-C. GRCh37 (hg19) VCF-style: chr16-2134562-T-C.
Other names: c.4138T>C, p.Ser1380Pro (NM_001077183.3); c.4270T>C, p.Ser1424Pro (NM_001114382.3); c.4030T>C, p.Ser1344Pro (NM_001318827.2); c.3994T>C, p.Ser1332Pro (NM_001318829.2); c.3607T>C, p.Ser1203Pro (NM_001318831.2); c.4171T>C, p.Ser1391Pro (NM_001318832.2); c.4141T>C, p.Ser1381Pro (NM_001363528.2); c.4207T>C, p.Ser1403Pro (NM_001370404.1); and 26 more; short protein forms S1203P, S1223P, S1344P, S1376P, S1403P, S1411P, S1423P, S932P.
Identifiers: ClinVar variation 3462587 (VCV003462587.2).

ClinVar aggregate classification (germline): Uncertain significance. Review status: criteria provided, multiple submitters, no conflicts (2 of 4 stars). 2 submissions from 2 submitters: Uncertain significance (2). Last evaluated 2025-12-17.

Conditions:
Tuberous sclerosis 2 (TSC2). Identifiers: Orphanet 805, MedGen C1860707, MONDO:0013199, OMIM 613254.
Hereditary cancer-predisposing syndrome. Also called: Hereditary Cancer Syndrome; Hereditary neoplastic syndrome; Neoplastic Syndromes, Hereditary; Tumor predisposition. Identifiers: Orphanet 140162, MedGen C0027672, MeSH D009386, MONDO:0015356.

Submissions (2):

Labcorp Genetics (formerly Invitae), Labcorp
Classification: Uncertain significance for Tuberous sclerosis 2. Last evaluated: 2025-12-17. Review status: criteria provided, single submitter. Criteria: Invitae Variant Classification Sherloc (09022015). Collection method: clinical testing. Allele origin: germline.
Comment: This sequence change replaces serine, which is neutral and polar, with proline, which is neutral and non-polar, at codon 1447 of the TSC2 protein (p.Ser1447Pro). This variant is not present in population databases (gnomAD no frequency). This variant has not been reported in the literature in individuals affected with TSC2-related conditions. ClinVar contains an entry for this variant (Variation ID: 3462587). Invitae Evidence Modeling of protein sequence and biophysical properties (such as structural, functional, and spatial information, amino acid conservation, physicochemical variation, residue mobility, and thermodynamic stability) indicates that this missense variant is not expected to disrupt TSC2 protein function with a negative predictive value of 95%. In summary, the available evidence is currently insufficient to determine the role of this variant in disease. Therefore, it has been classified as a Variant of Uncertain Significance.

Ambry Genetics
Classification: Uncertain significance for Hereditary cancer-predisposing syndrome. Last evaluated: 2024-07-13. Review status: criteria provided, single submitter. Criteria: Ambry Variant Classification Scheme 2023. Collection method: clinical testing. Allele origin: germline.
Comment: The p.S1447P variant (also known as c.4339T>C), located in coding exon 33 of the TSC2 gene, results from a T to C substitution at nucleotide position 4339. The serine at codon 1447 is replaced by proline, an amino acid with similar properties. This amino acid position is conserved. In addition, the in silico prediction for this alteration is inconclusive. Based on the available evidence, the clinical significance of this variant remains unclear.